The following is an entry in ClinVar:

ClinVar aggregate classification (germline): Conflicting classifications of pathogenicity. Review status: criteria provided, conflicting classifications (1 of 4 stars). 2 submissions from 2 submitters: Uncertain significance (1); Likely benign (1). Last evaluated 2023-07-17.

Conditions:
Inborn genetic diseases. Identifiers: MedGen C0950123, MeSH D030342.
Joubert syndrome. Also called: CEREBELLOPARENCHYMAL DISORDER IV; JOUBERT-BOLTSHAUSER SYNDROME; Familial aplasia of the vermis. Identifiers: Orphanet 475, MedGen C5979921, MONDO:0018772.

Submissions (2):

Labcorp Genetics (formerly Invitae), Labcorp
Classification: Uncertain significance for Joubert syndrome. Last evaluated: 2023-07-17. Review status: criteria provided, single submitter. Criteria: Invitae Variant Classification Sherloc (09022015). Collection method: clinical testing. Allele origin: germline.
Comment: This sequence change replaces asparagine, which is neutral and polar, with aspartic acid, which is acidic and polar, at codon 314 of the AHI1 protein (p.Asn314Asp). This variant is not present in population databases (gnomAD no frequency). This variant has not been reported in the literature in individuals affected with AHI1-related conditions. ClinVar contains an entry for this variant (Variation ID: 2131159). Advanced modeling of protein sequence and biophysical properties (such as structural, functional, and spatial information, amino acid conservation, physicochemical variation, residue mobility, and thermodynamic stability) performed at Invitae indicates that this missense variant is not expected to disrupt AHI1 protein function. In summary, the available evidence is currently insufficient to determine the role of this variant in disease. Therefore, it has been classified as a Variant of Uncertain Significance.

Ambry Genetics
Classification: Likely benign for Inborn genetic diseases. Last evaluated: 2023-06-07. Review status: criteria provided, single submitter. Criteria: Ambry Variant Classification Scheme 2023. Collection method: clinical testing. Allele origin: germline.

NM_001134831.2(AHI1):c.940A>G (p.Asn314Asp)

Gene: AHI1 (Abelson helper integration site 1; minus strand). Cytogenetic location: 6q23.3.
Variant type: single nucleotide variant.
Coding change: c.940A>G on transcript NM_001134831.2 (MANE Select); coding-DNA position 940, A replaced by G.
Protein change: p.Asn314Asp; replaces asparagine 314 with aspartic acid.
Molecular consequence: missense variant.
Genome position (GRCh38, 1-based): chr6:135,457,705, T>C on the plus strand (A>G on the coding strand, the complement: AHI1 is on the minus strand). VCF-style: chr6-135457705-T-C. GRCh37 (hg19) VCF-style: chr6-135778843-T-C.
Other names: c.940A>G (NM_017651.4); c.940A>G, p.Asn314Asp (NM_001134830.2, NM_001134832.2, NM_001350503.2 and 2 more transcripts); short protein forms N314D.
Identifiers: ClinVar variation 2131159 (VCV002131159.4), dbSNP rs1789198105, ClinGen allele CA365748032.